The following is an entry in ClinVar:

NM_000059.4(BRCA2):c.9099_9100del (p.Gln3034fs)

Gene: BRCA2 (BRCA2 DNA repair associated; plus strand). Cytogenetic location: 13q13.1.
Variant type: Deletion.
Coding change: c.9099_9100del on transcript NM_000059.4 (MANE Select); coding-DNA positions 9099 to 9100, 2 bases deleted (TC; older notation c.9099_9100delTC).
Protein change: p.Gln3034fs; shifts the reading frame from glutamine 3034.
Molecular consequence: frameshift variant.
Genome position (GRCh38, 1-based): chr13:32,379,895-32,379,896, TC deleted; deleting any 2 consecutive bases within chr13:32,379,894-32,379,896 gives the same sequence; the c. name uses the placement nearest the transcript's 3' end. VCF-style (leftmost placement, unchanged base first): chr13-32379893-ACT-A. GRCh37 (hg19) VCF-style: chr13-32954030-ACT-A.
Other names: 9327delTC; c.9099_9100delTC (NM_000059.3).
Identifiers: ClinVar variation 52748 (VCV000052748.6), dbSNP rs80359748, ClinGen allele CA025975.

ClinVar aggregate classification (germline): Pathogenic. Review status: reviewed by expert panel (3 of 4 stars). 4 submissions from 4 submitters: Pathogenic (1). 3 of the submissions do not count toward it. Last evaluated 2016-09-08.

Conditions:
Hereditary cancer-predisposing syndrome. Also called: Neoplastic Syndromes, Hereditary; Tumor predisposition; Hereditary neoplastic syndrome; Hereditary Cancer Syndrome. Identifiers: Orphanet 140162, MedGen C0027672, MeSH D009386, MONDO:0015356.
Breast-ovarian cancer, familial, susceptibility to, 2 (BROVCA2). Also called: BRCA2 Hereditary Breast and Ovarian Cancer. Identifiers: Orphanet 145, MedGen C2675520, MONDO:0012933, OMIM 612555. Disease mechanism: loss of function.

Submissions (4):

Evidence-based Network for the Interpretation of Germline Mutant Alleles (ENIGMA)
Classification: Pathogenic for Breast-ovarian cancer, familial, susceptibility to, 2. Last evaluated: 2016-09-08. Review status: reviewed by expert panel. Criteria: ENIGMA BRCA1/2 Classification Criteria (2015). Collection method: curation. Allele origin: germline.
Comment: Variant allele predicted to encode a truncated non-functional protein.

Molecular Diagnostics Laboratory, Catalan Institute of Oncology
Classification: Pathogenic for Hereditary cancer-predisposing syndrome. Last evaluated: 2025-04-09. Review status: criteria provided, single submitter. Criteria: ClinGen BRCA1BRCA2 ACMG Specifications BRCA2 V1.0.0. Collection method: clinical testing. Allele origin: germline. Not counted in ClinVar's aggregate classification.
Comment: PVS1, PM2_supporting, PM5_PTC_strong c.9099_9100del, located in exon 23 of the BRCA2 gene, consists in the deletion of 2 nucleotides, causing a translational frameshift with a predicted alternate stop codon (p.(Gln3034Valfs*9)). This alteration is expected to result in loss of function by premature protein truncation and nonsense-mediated mRNA decay (PVS1, PM5_PTC_strong). It is not present in the population database gnomAD v2.1.1, non cancer dataset (PM2_supporting). The SpliceAI algorithm predicts no significant impact on splicing. To our knowledge, neither relevant clinical data nor well-stablished functional studies have been reported for this variant. It has been reported as a pathogenic variant in ClinVar, LOVD, BRCA Exchange. Based on the currently available information, c.9099_9100del is classified as a pathogenic variant according to ClinGen-BRCA2 Guidelines version 1.

Consortium of Investigators of Modifiers of BRCA1/2 (CIMBA), c/o University of Cambridge
Classification: Pathogenic for Breast-ovarian cancer, familial, susceptibility to, 2. Last evaluated: 2015-10-02. Review status: criteria provided, single submitter. Criteria: CIMBA Mutation Classification guidelines May 2016. Collection method: clinical testing. Allele origin: germline. Not counted in ClinVar's aggregate classification.

Breast Cancer Information Core (BIC) (BRCA2)
Classification: Pathogenic for Breast-ovarian cancer, familial 2. Last evaluated: 1998-08-25. Review status: no assertion criteria provided. Collection method: clinical testing. Allele origin: germline. Affected: yes. Observed: 1 variant allele. Not counted in ClinVar's aggregate classification.